The following is an entry in ClinVar:

ClinVar aggregate classification (germline): Uncertain significance (1 of 4 stars; one submission).

Allele frequency attached by ClinVar (database versions not stated): gnomAD exomes below 0.00001; gnomAD 0.00001; TOPMed 0.00001.
gnomAD v4.1: 5 of 1,611,158 alleles (0.00031%); highest among the groups gnomAD compares: Admixed American, 0.0034%; no homozygotes.

Submission:

Labcorp Genetics (formerly Invitae), Labcorp
Classification: Uncertain significance. Last evaluated: 2023-02-22. Review status: criteria provided, single submitter. Criteria: Invitae Variant Classification Sherloc (09022015). Collection method: clinical testing. Allele origin: germline.
Comment: This variant has not been reported in the literature in individuals affected with SGMS2-related conditions. Variants that disrupt the consensus splice site are a relatively common cause of aberrant splicing (PMID: 17576681, 9536098). Algorithms developed to predict the effect of sequence changes on RNA splicing suggest that this variant is not likely to affect RNA splicing. In summary, the available evidence is currently insufficient to determine the role of this variant in disease. Therefore, it has been classified as a Variant of Uncertain Significance. This variant is not present in population databases (gnomAD no frequency). This sequence change falls in intron 5 of the SGMS2 gene. It does not directly change the encoded amino acid sequence of the SGMS2 protein. It affects a nucleotide within the consensus splice site.

Literature cited by the submitters: PubMed 17576681; PubMed 9536098.

NM_001375905.1(SGMS2):c.894+3G>A

Genes: CYP2U1-AS1 (CYP2U1 and SGMS2 antisense RNA 1; minus strand), SGMS2 (sphingomyelin synthase 2; plus strand). Cytogenetic location: 4q25.
Variant type: single nucleotide variant.
Coding change: c.894+3G>A on transcript NM_001375905.1 (MANE Select); 3 bases into the intron after coding-DNA position 894, G replaced by A.
Molecular consequence: intron variant.
Genome position (GRCh38, 1-based): chr4:107,908,734, G>A. VCF-style: chr4-107908734-G-A. GRCh37 (hg19) VCF-style: chr4-108829890-G-A.
Other names: c.894+3G>A (NM_001375906.1, NM_001375908.1, NM_001136258.2 and 3 more transcripts); c.728-1616G>A (NM_001375910.1); c.375+3G>A (NM_001375911.1).
Identifiers: ClinVar variation 2906888 (VCV002906888.3), dbSNP rs1205263053, ClinGen allele CA785062267.
Genomic context (GRCh38, chr4:107,908,734, plus strand): 5'-TGCTTATTATATCACAACACGACTGTTTTGGTGGTACCATTCAATGGCCAATGAAAAGGT[G>A]AGAGCAGTGAAGATGCTTGGATAATTTCTTTTCTTTGAATGCAGTGGACCCTTTTCATGT-3'